The following is an entry in ClinVar:

NM_024408.4(NOTCH2):c.5951C>A (p.Ala1984Glu)

Gene: NOTCH2 (notch receptor 2; minus strand). Cytogenetic location: 1p12.
Variant type: single nucleotide variant.
Coding change: c.5951C>A on transcript NM_024408.4 (MANE Select); coding-DNA position 5951, C replaced by A.
Protein change: p.Ala1984Glu; replaces alanine 1984 with glutamic acid.
Molecular consequence: missense variant.
Genome position (GRCh38, 1-based): chr1:119,917,741, G>T on the plus strand (C>A on the coding strand, the complement: NOTCH2 is on the minus strand). VCF-style: chr1-119917741-G-T. GRCh37 (hg19) VCF-style: chr1-120460364-G-T.
Other names: c.5951C>A (NM_024408.3); short protein forms A1984E.
Identifiers: ClinVar variation 2009281 (VCV002009281.5), dbSNP rs2101147011, ClinGen allele CA341882023.

ClinVar aggregate classification (germline): Uncertain significance. Review status: criteria provided, multiple submitters, no conflicts (2 of 4 stars). 2 submissions from 2 submitters: Uncertain significance (2). Last evaluated 2023-01-31.

Conditions:
Hajdu-Cheney syndrome (HJCYS). Also called: Acroosteolysis dominant type; ACROOSTEOLYSIS WITH OSTEOPOROSIS AND CHANGES IN SKULL AND MANDIBLE; SERPENTINE FIBULA-POLYCYSTIC KIDNEY SYNDROME. Identifiers: Orphanet 955, MedGen C0917715, MONDO:0007057, OMIM 102500.

Submissions (2):

GeneDx
Classification: Uncertain significance. Last evaluated: 2023-01-31. Review status: criteria provided, single submitter. Criteria: GeneDx Variant Classification Process June 2021. Collection method: clinical testing. Allele origin: germline. Affected: yes.
Comment: Not observed at significant frequency in large population cohorts (gnomAD); In silico analysis supports that this missense variant has a deleterious effect on protein structure/function; Has not been previously published as pathogenic or benign to our knowledge

Labcorp Genetics (formerly Invitae), Labcorp
Classification: Uncertain significance for Hajdu-Cheney syndrome. Last evaluated: 2022-06-22. Review status: criteria provided, single submitter. Criteria: Invitae Variant Classification Sherloc (09022015). Collection method: clinical testing. Allele origin: germline.
Comment: Advanced modeling of protein sequence and biophysical properties (such as structural, functional, and spatial information, amino acid conservation, physicochemical variation, residue mobility, and thermodynamic stability) performed at Invitae indicates that this missense variant is expected to disrupt NOTCH2 protein function. This variant has not been reported in the literature in individuals affected with NOTCH2-related conditions. This variant is not present in population databases (gnomAD no frequency). This sequence change replaces alanine, which is neutral and non-polar, with glutamic acid, which is acidic and polar, at codon 1984 of the NOTCH2 protein (p.Ala1984Glu). In summary, the available evidence is currently insufficient to determine the role of this variant in disease. Therefore, it has been classified as a Variant of Uncertain Significance.